The following is an entry in ClinVar:

ClinVar aggregate classification (germline): Uncertain significance (1 of 4 stars; one submission).

Conditions:
Spastic paraplegia. Identifiers: MedGen C0037772, HP:0001258.

Submission:

Labcorp Genetics (formerly Invitae), Labcorp
Classification: Uncertain significance for Spastic paraplegia. Last evaluated: 2022-09-06. Review status: criteria provided, single submitter. Criteria: Invitae Variant Classification Sherloc (09022015). Collection method: clinical testing. Allele origin: germline.
Comment: This sequence change replaces valine, which is neutral and non-polar, with leucine, which is neutral and non-polar, at codon 1231 of the SACS protein (p.Val1231Leu). This variant is not present in population databases (gnomAD no frequency). This variant has not been reported in the literature in individuals affected with SACS-related conditions. Advanced modeling of protein sequence and biophysical properties (such as structural, functional, and spatial information, amino acid conservation, physicochemical variation, residue mobility, and thermodynamic stability) performed at Invitae indicates that this missense variant is not expected to disrupt SACS protein function. In summary, the available evidence is currently insufficient to determine the role of this variant in disease. Therefore, it has been classified as a Variant of Uncertain Significance.

NM_014363.6(SACS):c.3691G>C (p.Val1231Leu)

Gene: SACS (sacsin molecular chaperone; minus strand). Cytogenetic location: 13q12.12.
Variant type: single nucleotide variant.
Coding change: c.3691G>C on transcript NM_014363.6 (MANE Select); coding-DNA position 3691, G replaced by C.
Protein change: p.Val1231Leu; replaces valine 1231 with leucine.
Molecular consequence: missense variant.
Genome position (GRCh38, 1-based): chr13:23,340,185, C>G on the plus strand (G>C on the coding strand, the complement: SACS is on the minus strand). VCF-style: chr13-23340185-C-G. GRCh37 (hg19) VCF-style: chr13-23914324-C-G.
Other names: c.3250G>C, p.Val1084Leu (NM_001278055.2); short protein forms V1084L, V1231L.
Identifiers: ClinVar variation 1968027 (VCV001968027.2), dbSNP rs1442864097, ClinGen allele CA387533957.